The following is an entry in ClinVar:

ClinVar aggregate classification (germline): Likely benign (1 of 4 stars; one submission).

Allele frequency attached by ClinVar (database versions not stated): ESP Exome Variant Server 0.00031; ExAC 0.00049; gnomAD 0.00055; gnomAD exomes 0.00058; TOPMed 0.00058; 1000 Genomes Project 30x 0.00078; 1000 Genomes Project 0.00080.

Submission:

CeGaT Center for Human Genetics Tuebingen
Classification: Likely benign. Last evaluated: 2022-11-01. Review status: criteria provided, single submitter. Criteria: CeGaT Center For Human Genetics Tuebingen Variant Classification Criteria Version 2. Collection method: clinical testing. Allele origin: germline. Affected: yes. Observed: 1 variant allele.
Comment: ZWILCH: BP4

NM_017975.5(ZWILCH):c.473C>G (p.Thr158Arg)

Gene: ZWILCH (zwilch kinetochore protein; plus strand). Cytogenetic location: 15q22.31.
Variant type: single nucleotide variant.
Coding change: c.473C>G on transcript NM_017975.5 (MANE Select); coding-DNA position 473, C replaced by G.
Protein change: p.Thr158Arg; replaces threonine 158 with arginine.
Molecular consequence: missense variant.
Genome position (GRCh38, 1-based): chr15:66,519,031, C>G. VCF-style: chr15-66519031-C-G. GRCh37 (hg19) VCF-style: chr15-66811369-C-G.
Other names: c.131C>G, p.Thr44Arg (NM_001287821.2, NM_001287822.2, NM_001287823.2); short protein forms T158R, T44R.
Identifiers: ClinVar variation 2645474 (VCV002645474.24), dbSNP rs150058435, ClinGen allele CA7625275.
Genomic context (GRCh38, chr15:66,519,031, plus strand): 5'-TAAGATGTGACAGTTCAGATCCTGAAGGTACTTGTTGGCTAGGAGCTGAGCTTATCACAA[C>G]AAACAACAGCATTACAGGAATTGTCTTATATGTGGTCAGTTGTAAAGGTGAGTGCTCTCT-3'
Protein context (NP_060445.3, residues 148-168): TCWLGAELIT[Thr158Arg]NNSITGIVLY